The following is an entry in ClinVar:

NM_015158.5(KANK1):c.2610GTC[1] (p.Ser872del)

Gene: KANK1 (KN motif and ankyrin repeat domains 1; plus strand). Cytogenetic location: 9p24.3.
Variant type: Microsatellite.
Coding change: c.2610GTC[1] on transcript NM_015158.5 (MANE Select); one copy of the 3-base unit GTC starting at c.2610; the reference has two copies in a row; one copy, 3 bases deleted.
Protein change: p.Ser872del; deletes serine 872.
Molecular consequence: inframe deletion. On other transcripts: non-coding transcript variant (1).
Genome position (GRCh38, 1-based): chr9:713,379-713,381, GTC deleted; deleting any 3 consecutive bases within chr9:713,376-713,381 gives the same sequence; the position shown is the placement nearest the transcript's 3' end. VCF-style (leftmost placement, unchanged base first): chr9-713375-TGTC-T. GRCh37 (hg19) VCF-style: chr9-713375-TGTC-T.
Other names: c.2610GTC[1], p.Ser872del (NM_001256876.3, NM_001256877.3, NM_001354331.2 and 2 more transcripts); c.2136GTC[1], p.Ser714del (NM_001354333.2, NM_001354335.2, NM_001354336.2 and 9 more transcripts); short protein forms S714del, S872del.
Identifiers: ClinVar variation 1425658 (VCV001425658.6), dbSNP rs2130985672, ClinGen allele CA2580616142.

ClinVar aggregate classification (germline): Uncertain significance (1 of 4 stars; one submission).

Submission:

Labcorp Genetics (formerly Invitae), Labcorp
Classification: Uncertain significance. Last evaluated: 2021-11-12. Review status: criteria provided, single submitter. Criteria: Invitae Variant Classification Sherloc (09022015). Collection method: clinical testing. Allele origin: germline.
Comment: This variant, c.2613_2615del, results in the deletion of 1 amino acid(s) of the KANK1 protein (p.Ser872del), but otherwise preserves the integrity of the reading frame. In summary, the available evidence is currently insufficient to determine the role of this variant in disease. Therefore, it has been classified as a Variant of Uncertain Significance. Experimental studies and prediction algorithms are not available or were not evaluated, and the functional significance of this variant is currently unknown. This variant has not been reported in the literature in individuals affected with KANK1-related conditions. This variant is not present in population databases (gnomAD no frequency).